The following is an entry in ClinVar:

NM_006662.3(SRCAP):c.5856C>T (p.Thr1952=)

Gene: SRCAP (Snf2 related CREBBP activator protein; plus strand). Cytogenetic location: 16p11.2.
Variant type: single nucleotide variant.
Coding change: c.5856C>T on transcript NM_006662.3 (MANE Select); coding-DNA position 5856, C replaced by T.
Protein change: p.Thr1952=; no amino-acid change (threonine 1952 retained).
Molecular consequence: synonymous variant.
Genome position (GRCh38, 1-based): chr16:30,729,163, C>T. VCF-style: chr16-30729163-C-T. GRCh37 (hg19) VCF-style: chr16-30740484-C-T.
Identifiers: ClinVar variation 3905005 (VCV003905005.11).

ClinVar aggregate classification (germline): Likely benign. Review status: criteria provided, multiple submitters, no conflicts (2 of 4 stars). 2 submissions from 2 submitters: Likely benign (2). Last evaluated 2025-05-01.

gnomAD v4.1: 40 of 1,614,052 alleles (0.0025%); highest among the groups gnomAD compares: Non-Finnish European, 0.0029%; no homozygotes.

Submissions (2):

CeGaT Center for Human Genetics Tuebingen
Classification: Likely benign. Last evaluated: 2025-05-01. Review status: criteria provided, single submitter. Criteria: CeGaT Center For Human Genetics Tuebingen Variant Classification Criteria Version 2. Collection method: clinical testing. Allele origin: germline. Affected: yes. Observed: 1 variant allele.
Comment: SRCAP: BP4, BP7

Labcorp Genetics (formerly Invitae), Labcorp
Classification: Likely benign. Last evaluated: 2025-03-27. Review status: criteria provided, single submitter. Criteria: Invitae Variant Classification Sherloc (09022015). Collection method: clinical testing. Allele origin: germline.